The following is an entry in ClinVar:

ClinVar aggregate classification (germline): Uncertain significance (1 of 4 stars; one submission).

Conditions:
Primary ciliary dyskinesia. Also called: Ciliary dyskinesia. Identifiers: Orphanet 244, MedGen C0008780, MONDO:0016575, HP:0012265.

Allele frequency attached by ClinVar (database versions not stated): gnomAD exomes below 0.00001.
gnomAD v4.1: 1 of 1,612,656 alleles (0.000062%); highest among the groups gnomAD compares: Non-Finnish European, 0.000085%; no homozygotes.

Submission:

Labcorp Genetics (formerly Invitae), Labcorp
Classification: Uncertain significance for Primary ciliary dyskinesia. Last evaluated: 2020-07-21. Review status: criteria provided, single submitter. Criteria: Invitae Variant Classification Sherloc (09022015). Collection method: clinical testing. Allele origin: germline.
Comment: In summary, the available evidence is currently insufficient to determine the role of this variant in disease. Therefore, it has been classified as a Variant of Uncertain Significance. Algorithms developed to predict the effect of sequence changes on RNA splicing suggest that this variant may create or strengthen a splice site, but this prediction has not been confirmed by published transcriptional studies. This variant has not been reported in the literature in individuals with DNAH8-related conditions. This variant is not present in population databases (ExAC no frequency). This sequence change affects codon 4477 of the DNAH8 mRNA. It is a 'silent' change, meaning that it does not change the encoded amino acid sequence of the DNAH8 protein.

NM_001206927.2(DNAH8):c.13431A>G (p.Gln4477=)

Gene: DNAH8 (dynein axonemal heavy chain 8; plus strand). Cytogenetic location: 6p21.2.
Variant type: single nucleotide variant.
Coding change: c.13431A>G on transcript NM_001206927.2 (MANE Select); coding-DNA position 13431, A replaced by G.
Protein change: p.Gln4477=; no amino-acid change (glutamine 4477 retained).
Molecular consequence: synonymous variant.
Genome position (GRCh38, 1-based): chr6:39,012,274, A>G. VCF-style: chr6-39012274-A-G. GRCh37 (hg19) VCF-style: chr6-38980050-A-G.
Other names: c.12780A>G, p.Gln4260= (NM_001371.4).
Identifiers: ClinVar variation 1022741 (VCV001022741.9), dbSNP rs1766263823, ClinGen allele CA450003754.